The following is an entry in ClinVar:

NM_001347702.2(SYNE1):c.1473T>G (p.Tyr491Ter)

Gene: SYNE1 (spectrin repeat containing nuclear envelope protein 1; minus strand). Cytogenetic location: 6q25.2.
Variant type: single nucleotide variant.
Coding change: c.1473T>G on transcript NM_001347702.2 (MANE Plus Clinical); coding-DNA position 1473, T replaced by G.
Protein change: p.Tyr491Ter; replaces tyrosine 491 with a stop codon.
Molecular consequence: nonsense. On other transcripts: intron variant (2).
Genome position (GRCh38, 1-based): chr6:152,145,524, A>C on the plus strand (T>G on the coding strand, the complement: SYNE1 is on the minus strand). VCF-style: chr6-152145524-A-C. GRCh37 (hg19) VCF-style: chr6-152466659-A-C.
Other names: c.24795T>G, p.Tyr8265Ter (NM_033071.5); c.24977-1759T>G (NM_182961.4); c.1583-1759T>G (NM_001347701.2); short protein forms Y491*, Y8265*.
Identifiers: ClinVar variation 2132078 (VCV002132078.4), dbSNP rs2549805387, ClinGen allele CA366083830.

ClinVar aggregate classification (germline): Pathogenic (1 of 4 stars; one submission).

Conditions:
Autosomal recessive ataxia, Beauce type. Also called: SYNE1-Related Autosomal Recessive Cerebellar Ataxia; Spinocerebellar ataxia, autosomal recessive 8; ATAXIA, RECESSIVE, OF BEAUCE; SYNE1 Deficiency. Identifiers: Orphanet 88644, MedGen C1853116, MONDO:0012549, OMIM 610743.
Emery-Dreifuss muscular dystrophy 4, autosomal dominant (EDMD4). Also called: EMERY-DREIFUSS MUSCULAR DYSTROPHY 4 WITH VARIABLE FEATURES. Identifiers: Orphanet 261, MedGen C2751807, MONDO:0013071, OMIM 612998.

Submission:

Labcorp Genetics (formerly Invitae), Labcorp
Classification: Pathogenic for Emery-Dreifuss muscular dystrophy 4, autosomal dominant; Autosomal recessive ataxia, Beauce type. Last evaluated: 2022-05-03. Review status: criteria provided, single submitter. Criteria: Invitae Variant Classification Sherloc (09022015). Collection method: clinical testing. Allele origin: germline.
Comment: This sequence change creates a premature translational stop signal (p.Tyr8265*) in the SYNE1 gene. It is expected to result in an absent or disrupted protein product. Loss-of-function variants in SYNE1 are known to be pathogenic (PMID: 19542096, 24319099, 27086870). This variant is not present in population databases (gnomAD no frequency). This variant has not been reported in the literature in individuals affected with SYNE1-related conditions. Algorithms developed to predict the effect of sequence changes on RNA splicing suggest that this variant may disrupt the consensus splice site. For these reasons, this variant has been classified as Pathogenic.

Literature cited by the submitters: PubMed 19542096; PubMed 24319099; PubMed 27086870.